The following is an entry in ClinVar:

NM_000612.6(IGF2):c.379C>T (p.Arg127Cys)

Genes: IGF2 (insulin like growth factor 2; minus strand), INS-IGF2 (INS-IGF2 readthrough; minus strand). Cytogenetic location: 11p15.5.
Variant type: single nucleotide variant.
Coding change: c.379C>T on transcript NM_000612.6 (MANE Select); coding-DNA position 379, C replaced by T.
Protein change: p.Arg127Cys; replaces arginine 127 with cysteine.
Molecular consequence: missense variant. On other transcripts: non-coding transcript variant (1).
Genome position (GRCh38, 1-based): chr11:2,133,151, G>A on the plus strand (C>T on the coding strand, the complement: IGF2 is on the minus strand). VCF-style: chr11-2133151-G-A. GRCh37 (hg19) VCF-style: chr11-2154381-G-A.
Other names: c.379C>T, p.Arg127Cys (NM_001007139.6, NM_001291861.3, NM_001291862.3); c.547C>T, p.Arg183Cys (NM_001127598.3); short protein forms R127C, R183C.
Identifiers: ClinVar variation 3361536 (VCV003361536.1).

ClinVar aggregate classification (germline): Uncertain significance (1 of 4 stars; one submission).

Submission:

GeneDx
Classification: Uncertain significance. Last evaluated: 2023-07-24. Review status: criteria provided, single submitter. Criteria: GeneDx Variant Classification Process June 2021. Collection method: clinical testing. Allele origin: germline. Affected: yes.
Comment: Not observed at significant frequency in large population cohorts (gnomAD); In silico analysis supports that this missense variant has a deleterious effect on protein structure/function; Has not been previously published as pathogenic or benign to our knowledge